The following is an entry in ClinVar:

NM_024408.4(NOTCH2):c.1635A>G (p.Ala545=)

Gene: NOTCH2 (notch receptor 2; minus strand). Cytogenetic location: 1p12.
Variant type: single nucleotide variant.
Coding change: c.1635A>G on transcript NM_024408.4 (MANE Select); coding-DNA position 1635, A replaced by G.
Protein change: p.Ala545=; no amino-acid change (alanine 545 retained).
Molecular consequence: synonymous variant.
Genome position (GRCh38, 1-based): chr1:119,965,499, T>C on the plus strand (A>G on the coding strand, the complement: NOTCH2 is on the minus strand). VCF-style: chr1-119965499-T-C. GRCh37 (hg19) VCF-style: chr1-120508122-T-C.
Other names: c.1635A>G (NM_024408.3); c.1635A>G, p.Ala545= (NM_001200001.2).
Identifiers: ClinVar variation 597898 (VCV000597898.9), dbSNP rs193116983, ClinGen allele CA1040491.
Genomic context (GRCh38, chr1:119,965,499, plus strand): 5'-GAGAAGAATCTTACCTGTGGCACACTGGCATTCATAGCCATTCGGGTGATCGATACACTT[T>C]GCCCCATTCAGACACGGAGTACTGGAACAGTCATCAATATCAATCTGGCAAACTGGCCCA-3'
Protein context (NP_077719.2, residues 535-555): DCSSTPCLNG[Ala545=]KCIDHPNGYE

ClinVar aggregate classification (germline): Conflicting classifications of pathogenicity. Review status: criteria provided, conflicting classifications (1 of 4 stars). 3 submissions from 3 submitters: Uncertain significance (1); Likely benign (2). Last evaluated 2026-04-21.

Conditions:
Hajdu-Cheney syndrome (HJCYS). Also called: SERPENTINE FIBULA-POLYCYSTIC KIDNEY SYNDROME; Acroosteolysis dominant type; ACROOSTEOLYSIS WITH OSTEOPOROSIS AND CHANGES IN SKULL AND MANDIBLE. Identifiers: Orphanet 955, MedGen C0917715, MONDO:0007057, OMIM 102500.
NOTCH2-related disorder. Also called: NOTCH2-related condition.

Allele frequency attached by ClinVar (database versions not stated): gnomAD exomes 0.00001 and 0.00004; ExAC 0.00006; 1000 Genomes Project 0.00040; 1000 Genomes Project 30x 0.00047; ESP Exome Variant Server 0.00008; gnomAD 0.00015; TOPMed 0.00017.
gnomAD v4.1: 34 of 1,614,050 alleles (0.0021%); highest among the groups gnomAD compares: African/African-American, 0.041%; no homozygotes.

Submissions (3):

PreventionGenetics, part of Exact Sciences
Classification: Likely benign for NOTCH2-related condition. Last evaluated: 2026-04-21. Review status: criteria provided, single submitter. Criteria: ACMG Guidelines, 2015. Collection method: clinical testing. Allele origin: germline.
Comment: This variant is classified as likely benign based on ACMG/AMP sequence variant interpretation guidelines (Richards et al. 2015 PMID: 25741868, with internal and published modifications).

Labcorp Genetics (formerly Invitae), Labcorp
Classification: Likely benign for Hajdu-Cheney syndrome. Last evaluated: 2026-01-23. Review status: criteria provided, single submitter. Criteria: Invitae Variant Classification Sherloc (09022015). Collection method: clinical testing. Allele origin: germline.

Eurofins Ntd Llc (ga)
Classification: Uncertain significance. Last evaluated: 2018-07-11. Review status: criteria provided, single submitter. Criteria: EGL ClinVar v180209 classification definitions. Collection method: clinical testing. Allele origin: germline. Observed: 1 variant allele, 1 heterozygote.